The following is an entry in ClinVar:

NM_024422.6(DSC2):c.2570_2573dup (p.Asn858delinsLysTer)

Gene: DSC2 (desmocollin 2; minus strand). Cytogenetic location: 18q12.1.
Variant type: Duplication.
Coding change: c.2570_2573dup on transcript NM_024422.6 (MANE Select); coding-DNA positions 2570 to 2573, 4 bases duplicated (ATAA; older notation c.2570_2573dupATAA).
Protein change: p.Asn858delinsLysTer.
Molecular consequence: nonsense. On other transcripts: frameshift variant (1), 3 prime UTR variant (1).
Genome position (GRCh38, 1-based): chr18:31,068,148-31,068,151, TTAT duplicated on the plus strand (ATAA on the coding strand, the reverse complement: DSC2 is on the minus strand). VCF-style (leftmost placement, unchanged base first): chr18-31068147-G-GTTAT. GRCh37 (hg19) VCF-style: chr18-28648113-G-GTTAT.
Other names: c.2141_2144dup, p.Asn715Lysfs (NM_001406506.1); c.*72_*75dup (NM_001406507.1, NM_004949.5).
Identifiers: ClinVar variation 2006907 (VCV002006907.4), dbSNP rs1462398527, ClinGen allele CA629453053.

ClinVar aggregate classification (germline): Uncertain significance (1 of 4 stars; one submission).

Conditions:
Arrhythmogenic right ventricular dysplasia 11. Also called: Arrhythmogenic Right Ventricular Dysplasia/Cardiomyopathy11; ARRHYTHMOGENIC RIGHT VENTRICULAR DYSPLASIA, FAMILIAL, 11; Arrhythmogenic right ventricular dysplasia 11 with mild palmoplantar keratoderma and woolly hair. Identifiers: MedGen C1864850, MONDO:0012506, OMIM 610476.

Submission:

Labcorp Genetics (formerly Invitae), Labcorp
Classification: Uncertain significance for Arrhythmogenic right ventricular dysplasia 11. Last evaluated: 2025-12-03. Review status: criteria provided, single submitter. Criteria: Invitae Variant Classification Sherloc (09022015). Collection method: clinical testing. Allele origin: germline.
Comment: This sequence change creates a premature translational stop signal (p.Asn858delinsLys*) in the DSC2 gene. While this is not anticipated to result in nonsense mediated decay, it is expected to disrupt the last 44 amino acid(s) of the DSC2 protein. This variant is present in population databases (no rsID available, gnomAD 0.0009%). This variant has not been reported in the literature in individuals affected with DSC2-related conditions. ClinVar contains an entry for this variant (Variation ID: 2006907). Experimental studies and prediction algorithms are not available or were not evaluated, and the functional significance of this variant is currently unknown. Algorithms developed to predict the effect of sequence changes on RNA splicing suggest that this variant may disrupt the consensus splice site. In summary, the available evidence is currently insufficient to determine the role of this variant in disease. Therefore, it has been classified as a Variant of Uncertain Significance.